The following is an entry in ClinVar:

NM_000355.4(TCN2):c.421G>A (p.Ala141Thr)

Gene: TCN2 (transcobalamin 2; plus strand). Cytogenetic location: 22q12.2.
Variant type: single nucleotide variant.
Coding change: c.421G>A on transcript NM_000355.4 (MANE Select); coding-DNA position 421, G replaced by A.
Protein change: p.Ala141Thr; replaces alanine 141 with threonine.
Molecular consequence: missense variant. On other transcripts: intron variant (1).
Genome position (GRCh38, 1-based): chr22:30,613,036, G>A. VCF-style: chr22-30613036-G-A. GRCh37 (hg19) VCF-style: chr22-31009023-G-A.
Other names: c.346+75G>A (NM_001184726.2); short protein forms A141T.
Identifiers: ClinVar variation 1481937 (VCV001481937.5), dbSNP rs762973293, ClinGen allele CA10184615.

ClinVar aggregate classification (germline): Uncertain significance (1 of 4 stars; one submission).

Conditions:
Transcobalamin II deficiency (TCN2D). Also called: TC II DEFICIENCY; TCN2 DEFICIENCY; Transcolabamin II deficiency. Identifiers: Orphanet 859, MedGen C0342701, MONDO:0010149, OMIM 275350.

Allele frequency attached by ClinVar (database versions not stated): gnomAD 0.00001; gnomAD exomes 0.00001 and 0.00002; ExAC 0.00002.
gnomAD v4.1: 8 of 1,613,842 alleles (0.0005%); highest among the groups gnomAD compares: Admixed American, 0.0067%; no homozygotes.

Submission:

Labcorp Genetics (formerly Invitae), Labcorp
Classification: Uncertain significance for Transcobalamin II deficiency. Last evaluated: 2022-07-05. Review status: criteria provided, single submitter. Criteria: Invitae Variant Classification Sherloc (09022015). Collection method: clinical testing. Allele origin: germline.
Comment: This sequence change replaces alanine, which is neutral and non-polar, with threonine, which is neutral and polar, at codon 141 of the TCN2 protein (p.Ala141Thr). This variant is present in population databases (rs762973293, gnomAD 0.009%). This variant has not been reported in the literature in individuals affected with TCN2-related conditions. ClinVar contains an entry for this variant (Variation ID: 1481937). Algorithms developed to predict the effect of missense changes on protein structure and function output the following: SIFT: "Tolerated"; PolyPhen-2: "Benign"; Align-GVGD: "Class C0". The threonine amino acid residue is found in multiple mammalian species, which suggests that this missense change does not adversely affect protein function. In summary, the available evidence is currently insufficient to determine the role of this variant in disease. Therefore, it has been classified as a Variant of Uncertain Significance.